The following is an entry in ClinVar:

ClinVar aggregate classification (germline): Uncertain significance. Review status: criteria provided, multiple submitters, no conflicts (2 of 4 stars). 2 submissions from 2 submitters: Uncertain significance (2). Last evaluated 2022-07-21.

Conditions:
Hyperphosphatasia with impaired intellectual development syndrome 2. Also called: Hyperphosphatasia with intellectual disability syndrome 2; GLYCOSYLPHOSPHATIDYLINOSITOL BIOSYNTHESIS DEFECT 6. Identifiers: Orphanet 247262, MedGen C3553637, MONDO:0013882, OMIM 614749.

Allele frequency attached by ClinVar (database versions not stated): gnomAD exomes below 0.00001; TOPMed below 0.00001; ExAC 0.00001; gnomAD 0.00001.

Submissions (2):

Labcorp Genetics (formerly Invitae), Labcorp
Classification: Uncertain significance for Hyperphosphatasia with impaired intellectual development syndrome 2. Last evaluated: 2022-07-21. Review status: criteria provided, single submitter. Criteria: Invitae Variant Classification Sherloc (09022015). Collection method: clinical testing. Allele origin: germline.
Comment: This sequence change replaces glycine, which is neutral and non-polar, with arginine, which is basic and polar, at codon 261 of the PIGO protein (p.Gly261Arg). This variant is present in population databases (rs766298531, gnomAD 0.0009%). This variant has not been reported in the literature in individuals affected with PIGO-related conditions. Algorithms developed to predict the effect of missense changes on protein structure and function (SIFT, PolyPhen-2, Align-GVGD) all suggest that this variant is likely to be tolerated. Algorithms developed to predict the effect of sequence changes on RNA splicing suggest that this variant may create or strengthen a splice site. In summary, the available evidence is currently insufficient to determine the role of this variant in disease. Therefore, it has been classified as a Variant of Uncertain Significance.

Blueprint Genetics
Classification: Uncertain significance. Last evaluated: 2020-12-23. Review status: criteria provided, single submitter. Criteria: ACMG Guidelines, 2015. Collection method: clinical testing. Allele origin: germline.

NM_032634.4(PIGO):c.781G>A (p.Gly261Arg)

Gene: PIGO (phosphatidylinositol glycan anchor biosynthesis class O; minus strand). Cytogenetic location: 9p13.3.
Variant type: single nucleotide variant.
Coding change: c.781G>A on transcript NM_032634.4 (MANE Select); coding-DNA position 781, G replaced by A.
Protein change: p.Gly261Arg; replaces glycine 261 with arginine.
Molecular consequence: missense variant.
Genome position (GRCh38, 1-based): chr9:35,093,579, C>T on the plus strand (G>A on the coding strand, the complement: PIGO is on the minus strand). VCF-style: chr9-35093579-C-T. GRCh37 (hg19) VCF-style: chr9-35093576-C-T.
Other names: c.781G>A, p.Gly261Arg (NM_001201484.2, NM_152850.4); short protein forms G261R.
Identifiers: ClinVar variation 2415643 (VCV002415643.4), dbSNP rs766298531, ClinGen allele CA5040825.